The following is an entry in ClinVar:

ClinVar aggregate classification (germline): association not found (1 of 4 stars; one submission).

Conditions:
Lip and oral cavity carcinoma. Identifiers: MedGen C0220641, MONDO:0023644.

Allele frequency attached by ClinVar (database versions not stated): TOPMed 0.26074; gnomAD 0.26493 and 0.25889; 1000 Genomes Project 30x 0.32448; 1000 Genomes Project 0.32688.
gnomAD v4.1: 40,164 of 151,866 alleles (26%); highest among the groups gnomAD compares: East Asian, 42%; 5,623 homozygotes.

Submission:

Department of Biological Science, Sunandan Divatia School of Science, NMIMS University
Classification: association not found for Lip and oral cavity carcinoma. Last evaluated: 2015-11-02. Review status: criteria provided, single submitter. Criteria: Submitter's publication. Collection method: case-control. Allele origin: not applicable.
Comment: No significant association was observed with SNP rs4748011 in CCDC3 and oral cancer.

NM_031455.4(CCDC3):c.550-478A>G

Gene: CCDC3 (coiled-coil domain containing 3; minus strand). Cytogenetic location: 10p13.
Variant type: single nucleotide variant.
Coding change: c.550-478A>G on transcript NM_031455.4 (MANE Select); 478 bases into the intron before coding-DNA position 550, A replaced by G.
Molecular consequence: intron variant.
Genome position (GRCh38, 1-based): chr10:12,899,157, T>C on the plus strand (A>G on the coding strand, the complement: CCDC3 is on the minus strand). VCF-style: chr10-12899157-T-C. GRCh37 (hg19) VCF-style: chr10-12941157-T-C.
Other names: c.175-478A>G (NM_001282658.2).
Identifiers: ClinVar variation 619294 (VCV000619294.3), dbSNP rs4748011, ClinGen allele CA13182145.